The following is an entry in ClinVar:

NM_005751.5(AKAP9):c.7919A>C (p.Glu2640Ala)

Gene: AKAP9 (A-kinase anchoring protein 9; plus strand). Cytogenetic location: 7q21.2.
Variant type: single nucleotide variant.
Coding change: c.7919A>C on transcript NM_005751.5 (MANE Select); coding-DNA position 7919, A replaced by C.
Protein change: p.Glu2640Ala; replaces glutamic acid 2640 with alanine.
Molecular consequence: missense variant.
Genome position (GRCh38, 1-based): chr7:92,080,052, A>C. VCF-style: chr7-92080052-A-C. GRCh37 (hg19) VCF-style: chr7-91709366-A-C.
Other names: c.2564A>C, p.Glu855Ala (NM_001379277.1); c.7895A>C, p.Glu2632Ala (NM_147185.3); short protein forms E2632A, E2640A, E855A.
Identifiers: ClinVar variation 2899273 (VCV002899273.3), dbSNP rs2535247709, ClinGen allele CA368136821.
Genomic context (GRCh38, chr7:92,080,052, plus strand): 5'-CTAGTTTGATTTTAGAAAAAGAACAAGTAGAAATTGCAGAAAAAAATGTTTTAGAAAAAG[A>C]AAAGAAGCTGCTAGAACTACAGAAGCTATTGGAGGGCAATGAGAAAAAACAGAGAGAGAA-3'
Protein context (NP_005742.4, residues 2630-2650): EIAEKNVLEK[Glu2640Ala]KKLLELQKLL

ClinVar aggregate classification (germline): Uncertain significance (1 of 4 stars; one submission).

Conditions:
Long QT syndrome (LQTS). Identifiers: MedGen C0023976, MeSH D008133, MONDO:0002442. Disease mechanism: loss of function. Inheritance: Various modes of inheritance.

Submission:

Labcorp Genetics (formerly Invitae), Labcorp
Classification: Uncertain significance for Long QT syndrome. Last evaluated: 2023-10-28. Review status: criteria provided, single submitter. Criteria: Invitae Variant Classification Sherloc (09022015). Collection method: clinical testing. Allele origin: germline.
Comment: This sequence change replaces glutamic acid, which is acidic and polar, with alanine, which is neutral and non-polar, at codon 2640 of the AKAP9 protein (p.Glu2640Ala). This variant is not present in population databases (gnomAD no frequency). This variant has not been reported in the literature in individuals affected with AKAP9-related conditions. An algorithm developed to predict the effect of missense changes on protein structure and function (PolyPhen-2) suggests that this variant is likely to be disruptive. In summary, the available evidence is currently insufficient to determine the role of this variant in disease. Therefore, it has been classified as a Variant of Uncertain Significance.